The following is an entry in ClinVar:

ClinVar aggregate classification (germline): Likely benign (1 of 4 stars; one submission).

Conditions:
CREBBP-related disorder. Also called: CREBBP-related condition; CREBBP-related disorders.

gnomAD v4.1: 1 of 1,614,122 alleles (0.000062%); highest among the groups gnomAD compares: Non-Finnish European, 0.000085%; no homozygotes.

Submission:

PreventionGenetics, part of Exact Sciences
Classification: Likely benign for CREBBP-related condition. Last evaluated: 2025-07-28. Review status: criteria provided, single submitter. Criteria: ACMG Guidelines, 2015. Collection method: clinical testing. Allele origin: germline.
Comment: This variant is classified as likely benign based on ACMG/AMP sequence variant interpretation guidelines (Richards et al. 2015 PMID: 25741868, with internal and published modifications).

NM_004380.3(CREBBP):c.2283+10C>G

Gene: CREBBP (CREB binding lysine acetyltransferase; minus strand). Cytogenetic location: 16p13.3.
Variant type: single nucleotide variant.
Coding change: c.2283+10C>G on transcript NM_004380.3 (MANE Select); 10 bases into the intron after coding-DNA position 2283, C replaced by G.
Molecular consequence: intron variant.
Genome position (GRCh38, 1-based): chr16:3,774,559, G>C on the plus strand (C>G on the coding strand, the complement: CREBBP is on the minus strand). VCF-style: chr16-3774559-G-C. GRCh37 (hg19) VCF-style: chr16-3824560-G-C.
Other names: c.2169+10C>G (NM_001079846.1).
Identifiers: ClinVar variation 4982855 (VCV004982855.1).